The following is an entry in ClinVar:

NM_000045.4(ARG1):c.505A>G (p.Ile169Val)

Genes: ARG1 (arginase 1; plus strand), MED23 (mediator complex subunit 23; minus strand). Cytogenetic location: 6q23.2.
Variant type: single nucleotide variant.
Coding change: c.505A>G on transcript NM_000045.4 (MANE Select); coding-DNA position 505, A replaced by G.
Protein change: p.Ile169Val; replaces isoleucine 169 with valine.
Molecular consequence: missense variant. On other transcripts: non-coding transcript variant (1), intron variant (3).
Genome position (GRCh38, 1-based): chr6:131,582,660, A>G. VCF-style: chr6-131582660-A-G. GRCh37 (hg19) VCF-style: chr6-131903800-A-G.
Other names: c.529A>G, p.Ile177Val (NM_001244438.2); c.306-400A>G (NM_001369020.1); c.4077+5049T>C (NM_001270521.2); c.4095+5049T>C (NM_015979.4); short protein forms I169V, I177V.
Identifiers: ClinVar variation 2418050 (VCV002418050.41), dbSNP rs949681378, ClinGen allele CA147897389.

ClinVar aggregate classification (germline): Uncertain significance (1 of 4 stars; one submission).

Conditions:
Arginase deficiency. Also called: Arginase 1 Deficiency; ARGININEMIA; ARG1 DEFICIENCY. Identifiers: Orphanet 90, MedGen C0268548, MONDO:0008814, OMIM 207800.

Allele frequency attached by ClinVar (database versions not stated): gnomAD exomes below 0.00001; gnomAD 0.00003.
gnomAD v4.1: 10 of 1,613,772 alleles (0.00062%); highest among the groups gnomAD compares: Non-Finnish European, 0.00076%; no homozygotes.

Submission:

Labcorp Genetics (formerly Invitae), Labcorp
Classification: Uncertain significance for Arginase deficiency. Last evaluated: 2023-08-10. Review status: criteria provided, single submitter. Criteria: Invitae Variant Classification Sherloc (09022015). Collection method: clinical testing. Allele origin: germline.
Comment: This sequence change replaces isoleucine, which is neutral and non-polar, with valine, which is neutral and non-polar, at codon 169 of the ARG1 protein (p.Ile169Val). This variant is present in population databases (no rsID available, gnomAD no frequency). This variant has not been reported in the literature in individuals affected with ARG1-related conditions. ClinVar contains an entry for this variant (Variation ID: 2418050). Advanced modeling of protein sequence and biophysical properties (such as structural, functional, and spatial information, amino acid conservation, physicochemical variation, residue mobility, and thermodynamic stability) performed at Invitae indicates that this missense variant is not expected to disrupt ARG1 protein function. In summary, the available evidence is currently insufficient to determine the role of this variant in disease. Therefore, it has been classified as a Variant of Uncertain Significance.